The following is an entry in ClinVar:

ClinVar aggregate classification (germline): Likely pathogenic (1 of 4 stars; one submission).

Allele frequency attached by ClinVar (database versions not stated): ExAC 0.00002; TOPMed 0.00004; gnomAD 0.00005; gnomAD exomes 0.00009.
gnomAD v4.1: 149 of 1,613,968 alleles (0.0092%); highest among the groups gnomAD compares: Non-Finnish European, 0.012%; no homozygotes.

Submission:

Labcorp Genetics (formerly Invitae), Labcorp
Classification: Likely pathogenic. Last evaluated: 2026-01-12. Review status: criteria provided, single submitter. Criteria: Invitae Variant Classification Sherloc (09022015). Collection method: clinical testing. Allele origin: germline.
Comment: This sequence change replaces arginine, which is basic and polar, with cysteine, which is neutral and slightly polar, at codon 934 of the MICAL1 protein (p.Arg934Cys). This variant is present in population databases (rs750057550, gnomAD 0.005%). This missense change has been observed in individual(s) with epilepsy with auditory features (PMID: 38654463). In at least one individual the variant was observed to be de novo. This variant is also known as p.Arg915Cys. ClinVar contains an entry for this variant (Variation ID: 2179770). An algorithm developed to predict the effect of missense changes on protein structure and function (PolyPhen-2) suggests that this variant is likely to be disruptive. Experimental studies have shown that this missense change affects MICAL1 function (PMID: 38654463). In summary, the currently available evidence indicates that the variant is pathogenic, but additional data are needed to prove that conclusively. Therefore, this variant has been classified as Likely Pathogenic.

Literature cited by the submitters: PubMed 38654463.

NM_022765.4(MICAL1):c.2743C>T (p.Arg915Cys)

Gene: MICAL1 (microtubule associated monooxygenase, calponin and LIM domain containing 1; minus strand). Cytogenetic location: 6q21.
Variant type: single nucleotide variant.
Coding change: c.2743C>T on transcript NM_022765.4 (MANE Select); coding-DNA position 2743, C replaced by T.
Protein change: p.Arg915Cys; replaces arginine 915 with cysteine.
Molecular consequence: missense variant.
Genome position (GRCh38, 1-based): chr6:109,445,460, G>A on the plus strand (C>T on the coding strand, the complement: MICAL1 is on the minus strand). VCF-style: chr6-109445460-G-A. GRCh37 (hg19) VCF-style: chr6-109766663-G-A.
Other names: c.2485C>T, p.Arg829Cys (NM_001159291.2); c.2800C>T, p.Arg934Cys (NM_001286613.2); short protein forms R934C, R829C, R915C.
Identifiers: ClinVar variation 2179770 (VCV002179770.4), dbSNP rs750057550, ClinGen allele CA3952783.
Genomic context (GRCh38, chr6:109,445,460, plus strand): 5'-AACCCCCGGGCTTCACCTGGGCCTTGCAGAACCTCTTCATCTCCTCCTCCTTCGCACGGC[G>A]CAGCAGAGTCCGACGCCATGTTGGGTAGTTATTCATGGTGCCTGAGGTCTTGGCAAAGGT-3'
Protein context (NP_073602.3, residues 905-925): NYPTWRRTLL[Arg915Cys]RAKEEEMKRF